The following is an entry in ClinVar:

ClinVar aggregate classification (germline): Uncertain significance (1 of 4 stars; one submission).

Submission:

Laboratory for Molecular Medicine, Mass General Brigham Personalized Medicine
Classification: Uncertain significance. Last evaluated: 2015-07-08. Review status: criteria provided, single submitter. Criteria: LMM Criteria. Collection method: clinical testing. Allele origin: germline. Observed: 1 variant allele.
Comment: The p.Gln362X variant in ACTC1 has not been previously reported in individuals w ith cardiomyopathy or in large population studies. This nonsense variant leads t o a premature termination codon at position 362. While most nonsense variants ar e predicted to lead to absent protein, this alteration occurs within a region wh ere it more likely results in a truncated protein. Although this variant is pred icted to be deleterious to the protein, the variant spectrum of this gene has no t been well characterized and it is unclear if these variant types play a role i n disease. In summary, the clinical significance of the p.Gln362X variant is unc ertain.

NM_005159.5(ACTC1):c.1084C>T (p.Gln362Ter)

Genes: ACTC1 (actin alpha cardiac muscle 1; minus strand), GJD2-DT (GJD2 divergent transcript; plus strand). Cytogenetic location: 15q14.
Variant type: single nucleotide variant.
Coding change: c.1084C>T on transcript NM_005159.5 (MANE Select); coding-DNA position 1084, C replaced by T.
Protein change: p.Gln362Ter; replaces glutamine 362 with a stop codon.
Molecular consequence: nonsense.
Genome position (GRCh38, 1-based): chr15:34,790,462, G>A on the plus strand (C>T on the coding strand, the complement: ACTC1 is on the minus strand). VCF-style: chr15-34790462-G-A. GRCh37 (hg19) VCF-style: chr15-35082663-G-A.
Other names: short protein forms Q362*.
Identifiers: ClinVar variation 228427 (VCV000228427.4), dbSNP rs876657738, ClinGen allele CA10576974.
Genomic context (GRCh38, chr15:34,790,462, plus strand): 5'-AGAAGGCATCTTAGAAGCATTTGCGGTGGACAATGGATGGGCCTGCCTCATCGTACTCTT[G>A]CTTGCTAATCCACATTTGCTGGAAGGTGGACAGAGAGGCCAGGATGGAGCCCCCAATCCA-3'